The following is an entry in ClinVar:

NM_004462.5(FDFT1):c.1104G>A (p.Thr368=)

Gene: FDFT1 (farnesyl-diphosphate farnesyltransferase 1). Cytogenetic location: 8p23.1.
Variant type: single nucleotide variant.
Coding change: c.1104G>A on transcript NM_004462.5 (MANE Select); coding-DNA position 1104, G replaced by A.
Protein change: p.Thr368=; no amino-acid change (threonine 368 retained).
Molecular consequence: synonymous variant.
Genome position (GRCh38, 1-based): chr8:11,838,459, G>A. VCF-style: chr8-11838459-G-A. GRCh37 (hg19) VCF-style: chr8-11695968-G-A.
Other names: c.1104G>A, p.Thr368= (NM_001287742.2, NM_001287743.2); c.912G>A, p.Thr304= (NM_001287744.2, NM_001287745.2, NM_001287747.2 and 2 more transcripts); c.1281G>A, p.Thr427= (NM_001287750.2); c.849G>A, p.Thr283= (NM_001287751.2); c.603G>A, p.Thr201= (NM_001287756.2).
Identifiers: ClinVar variation 2658416 (VCV002658416.24), dbSNP rs770899743, ClinGen allele CA4632211.

ClinVar aggregate classification (germline): Likely benign (1 of 4 stars; one submission).

Allele frequency attached by ClinVar (database versions not stated): TOPMed 0.00004; gnomAD 0.00005; ExAC 0.00006.
gnomAD v4.1: 159 of 1,607,236 alleles (0.0099%); highest among the groups gnomAD compares: Non-Finnish European, 0.013%; 1 homozygote.

Submission:

CeGaT Center for Human Genetics Tuebingen
Classification: Likely benign. Last evaluated: 2022-11-01. Review status: criteria provided, single submitter. Criteria: CeGaT Center For Human Genetics Tuebingen Variant Classification Criteria Version 2. Collection method: clinical testing. Allele origin: germline. Affected: yes. Observed: 1 variant allele.
Comment: FDFT1: BP4, BP7